The following is an entry in ClinVar:

ClinVar aggregate classification (germline): Uncertain significance (1 of 4 stars; one submission).

Conditions:
Aspartylglucosaminuria (AGU). Also called: GLYCOASPARAGINASE; Aspartylglucos-aminuria; Aspartylglucos-amidase (AGA) deficiency; GLYCOSYLASPARAGINASE DEFICIENCY; AGA DEFICIENCY. Identifiers: Orphanet 93, MedGen C0268225, MONDO:0008830, OMIM 208400, HP:0012068.

Submission:

Labcorp Genetics (formerly Invitae), Labcorp
Classification: Uncertain significance for Aspartylglucosaminuria. Last evaluated: 2022-06-08. Review status: criteria provided, single submitter. Criteria: Invitae Variant Classification Sherloc (09022015). Collection method: clinical testing. Allele origin: germline.
Comment: This variant has not been reported in the literature in individuals affected with AGA-related conditions. This variant is not present in population databases (gnomAD no frequency). This sequence change replaces glycine, which is neutral and non-polar, with glutamic acid, which is acidic and polar, at codon 77 of the AGA protein (p.Gly77Glu). In summary, the available evidence is currently insufficient to determine the role of this variant in disease. Therefore, it has been classified as a Variant of Uncertain Significance. Advanced modeling of protein sequence and biophysical properties (such as structural, functional, and spatial information, amino acid conservation, physicochemical variation, residue mobility, and thermodynamic stability) performed at Invitae indicates that this missense variant is expected to disrupt AGA protein function.

NM_000027.4(AGA):c.230G>A (p.Gly77Glu)

Gene: AGA (aspartylglucosaminidase; minus strand). Cytogenetic location: 4q34.3.
Variant type: single nucleotide variant.
Coding change: c.230G>A on transcript NM_000027.4 (MANE Select); coding-DNA position 230, G replaced by A.
Protein change: p.Gly77Glu; replaces glycine 77 with glutamic acid.
Molecular consequence: missense variant. On other transcripts: non-coding transcript variant (1).
Genome position (GRCh38, 1-based): chr4:177,440,324, C>T on the plus strand (G>A on the coding strand, the complement: AGA is on the minus strand). VCF-style: chr4-177440324-C-T. GRCh37 (hg19) VCF-style: chr4-178361478-C-T.
Other names: c.230G>A, p.Gly77Glu (NM_001171988.2); short protein forms G77E.
Identifiers: ClinVar variation 2129150 (VCV002129150.4), dbSNP rs2476874292, ClinGen allele CA358784257.